The following is an entry in ClinVar:

ClinVar aggregate classification (germline): Likely benign. Review status: criteria provided, multiple submitters, no conflicts (2 of 4 stars). 2 submissions from 2 submitters: Likely benign (2). Last evaluated 2019-06-26.

Conditions:
Familial thoracic aortic aneurysm and aortic dissection (TAAD). Also called: Thoracic aortic aneurysms and dissections. Identifiers: Orphanet 91387, MedGen C4707243, MONDO:0019625.

gnomAD v4.1: 5 of 1,613,922 alleles (0.00031%); highest among the groups gnomAD compares: Non-Finnish European, 0.00042%; no homozygotes.

Submissions (2):

Color Diagnostics, LLC DBA Color Health
Classification: Likely benign for Familial thoracic aortic aneurysm and aortic dissection. Last evaluated: 2019-06-26. Review status: criteria provided, single submitter. Criteria: ACMG Guidelines, 2015. Collection method: clinical testing. Allele origin: germline.

GeneDx
Classification: Likely benign. Last evaluated: 2016-11-10. Review status: criteria provided, single submitter. Criteria: GeneDx Variant Classification (06012015). Collection method: clinical testing. Allele origin: germline. Affected: yes.
Comment: This variant is considered likely benign or benign based on one or more of the following criteria: it is a conservative change, it occurs at a poorly conserved position in the protein, it is predicted to be benign by multiple in silico algorithms, and/or has population frequency not consistent with disease.

NM_005902.4(SMAD3):c.872-15C>T

Gene: SMAD3 (SMAD family member 3; plus strand). Cytogenetic location: 15q22.33.
Variant type: single nucleotide variant.
Coding change: c.872-15C>T on transcript NM_005902.4 (MANE Select); 15 bases into the intron before coding-DNA position 872, C replaced by T.
Molecular consequence: intron variant.
Genome position (GRCh38, 1-based): chr15:67,184,712, C>T. VCF-style: chr15-67184712-C-T. GRCh37 (hg19) VCF-style: chr15-67477050-C-T.
Other names: c.557-15C>T (NM_001145102.2); c.740-15C>T (NM_001145103.2); c.287-15C>T (NM_001145104.2).
Identifiers: ClinVar variation 390743 (VCV000390743.3), dbSNP rs747102986, ClinGen allele CA16606768.